The following is an entry in ClinVar:

ClinVar aggregate classification (germline): Pathogenic (1 of 4 stars; one submission).

Conditions:
Atypical hemolytic-uremic syndrome. Identifiers: Orphanet 2134, MedGen C2931788, MONDO:0016244.
Factor H deficiency (CFHD). Also called: COMPLEMENT FACTOR H DEFICIENCY; CFH DEFICIENCY. Identifiers: Orphanet 200421, MedGen C0398777, MONDO:0012350, OMIM 609814.

Submission:

Genomenon, Inc
Classification: Pathogenic for Atypical hemolytic-uremic syndrome; Factor H deficiency. Last evaluated: 2026-09-17. Review status: criteria provided, single submitter. Criteria: Genomenon Sequence Variant Interpretation Standards - Updated. Collection method: curation. Allele origin: germline. Affected: yes.
Comment: CFH p.Lys1162AsnfsTer7 (c.3486del) is a frameshift variant that is predicted to introduce a premature termination codon and result in a truncated or absent protein product. This variant has been observed in at least one proband affected with a CFH-related disorder (PMID: 29888403; 28596415; 32342491). It is absent or not present at a significant frequency in gnomAD. In conclusion, we classify CFH p.Lys1162AsnfsTer7 (c.3486del) as a pathogenic variant.

Literature cited by the submitters: PubMed 29888403; PubMed 28596415; PubMed 32342491.

NM_000186.4(CFH):c.3486del (p.Lys1162fs)

Gene: CFH (complement factor H; plus strand). Cytogenetic location: 1q31.3.
Variant type: Deletion.
Coding change: c.3486del on transcript NM_000186.4 (MANE Select); coding-DNA position 3486, one base deleted (A; older notation c.3486delA).
Protein change: p.Lys1162fs; shifts the reading frame from lysine 1162.
Molecular consequence: frameshift variant.
Genome position (GRCh38, 1-based): chr1:196,745,992, A deleted; the last of 4 consecutive A bases (chr1:196,745,989-196,745,992); deleting any one gives the same sequence. VCF-style (leftmost placement, unchanged base first): chr1-196745988-CA-C. GRCh37 (hg19) VCF-style: chr1-196715118-CA-C.
Other names: short protein forms K1162fs.
Identifiers: ClinVar variation 4291584 (VCV004291584.2).